The following is an entry in ClinVar:

ClinVar aggregate classification (germline): Conflicting classifications of pathogenicity. Review status: criteria provided, conflicting classifications (1 of 4 stars). 15 submissions from 11 submitters: Uncertain significance (8); Benign (1); Likely benign (5). 1 of the submissions does not count toward it. Last evaluated 2026-03-27.

Conditions:
Cardiovascular phenotype. Identifiers: MedGen CN230736.
TTN-related disorder. Also called: TTN-related condition; TTN-related disease; TTN-related disorders.
Autosomal recessive limb-girdle muscular dystrophy type 2J (LGMDR10). Also called: MUSCULAR DYSTROPHY, LIMB-GIRDLE, AUTOSOMAL RECESSIVE 10; Limb-girdle muscular dystrophy, type 2J. Identifiers: Orphanet 140922, MedGen C1837342, MONDO:0012127, OMIM 608807.
Dilated cardiomyopathy 1G (CMD1G). Identifiers: Orphanet 154, MedGen C1858763, MONDO:0011400, OMIM 604145.
Cardiomyopathy (CMYO). Also called: Cardiomyopathies. Identifiers: Orphanet 167848, MedGen C0878544, MONDO:0004994, HP:0001638. Inheritance: Various modes of inheritance.
Early-onset myopathy with fatal cardiomyopathy (CMYO5). Also called: CONGENITAL MYOPATHY 5 WITH CARDIOMYOPATHY; Salih Myopathy. Identifiers: Orphanet 289377, MedGen C2673677, MONDO:0012714, OMIM 611705. Disease mechanism: loss of function.
Tibial muscular dystrophy (TMD). Also called: Tibial muscular dystrophy, tardive; Udd Distal Myopathy – Tibial Muscular Dystrophy; UDD MYOPATHY. Identifiers: Orphanet 609, MedGen C1838244, MONDO:0010870, OMIM 600334.
Myopathy, myofibrillar, 9, with early respiratory failure (MFM9). Also called: EDSTROM MYOPATHY; Hereditary myopathy with early respiratory failure; MYOPATHY, PROXIMAL, WITH EARLY RESPIRATORY MUSCLE INVOLVEMENT; Myopathy, distal, with early respiratory failure, autosomal dominant. Identifiers: Orphanet 178464, Orphanet 34521, MedGen C1863599, MONDO:0011362, OMIM 603689.

Allele frequency attached by ClinVar (database versions not stated): gnomAD 0.00004 and 0.00005; TOPMed 0.00004; gnomAD exomes 0.00006 and 0.00010; ESP Exome Variant Server 0.00008; ExAC 0.00010.
gnomAD v4.1: 147 of 1,611,862 alleles (0.0091%); highest among the groups gnomAD compares: Middle Eastern, 0.016%; no homozygotes.

Submissions (15):

Molecular Diagnostic Laboratory for Inherited Cardiovascular Disease, Montreal Heart Institute
Classification: Likely benign. Last evaluated: 2026-03-27. Review status: criteria provided, single submitter. Criteria: ACMG Guidelines, 2015. Collection method: clinical testing. Allele origin: germline. Affected: no.
Comment: BP1

Mayo Clinic Laboratories, Mayo Clinic
Classification: Uncertain significance. Last evaluated: 2025-12-18. Review status: criteria provided, single submitter. Criteria: ACMG Guidelines, 2015. Collection method: clinical testing. Allele origin: germline. Observed: 1 variant allele.
Comment: BP2, BP5

Blueprint Genetics
Classification: Likely benign. Last evaluated: 2024-10-31. Review status: criteria provided, single submitter. Criteria: ACMG Guidelines, 2015. Collection method: clinical testing. Allele origin: germline.

Revvity Omics, Revvity
Classification: Uncertain significance. Last evaluated: 2024-06-18. Review status: criteria provided, single submitter. Criteria: ACMG Guidelines, 2015. Collection method: clinical testing. Allele origin: germline.

CHEO Genetics Diagnostic Laboratory, Children's Hospital of Eastern Ontario
Classification: Likely benign for Cardiomyopathy. Last evaluated: 2023-05-16. Review status: criteria provided, single submitter. Criteria: ACMG Guidelines, 2015. Collection method: clinical testing. Allele origin: germline.

GeneDx
Classification: Likely benign. Last evaluated: 2019-02-13. Review status: criteria provided, single submitter. Criteria: GeneDx Variant Classification Process June 2021. Collection method: clinical testing. Allele origin: germline. Affected: yes.

Illumina Laboratory Services, Illumina
Classification: Uncertain significance for Early-onset myopathy with fatal cardiomyopathy. Last evaluated: 2018-01-12. Review status: criteria provided, single submitter. Criteria: ICSL Variant Classification Criteria 13 December 2019. Collection method: clinical testing. Allele origin: germline.

Illumina Laboratory Services, Illumina
Classification: Uncertain significance for Dilated cardiomyopathy 1G. Last evaluated: 2018-01-12. Review status: criteria provided, single submitter. Criteria: ICSL Variant Classification Criteria 13 December 2019. Collection method: clinical testing. Allele origin: germline.

Illumina Laboratory Services, Illumina
Classification: Likely benign for Myopathy, myofibrillar, 9, with early respiratory failure. Last evaluated: 2018-01-12. Review status: criteria provided, single submitter. Criteria: ICSL Variant Classification Criteria 13 December 2019. Collection method: clinical testing. Allele origin: germline.
Comment: This variant was observed in the ICSL laboratory as part of a predisposition screen in an ostensibly healthy population. It had not been previously curated by ICSL or reported in the Human Gene Mutation Database (HGMD: prior to June 1st, 2018), and was therefore a candidate for classification through an automated scoring system. Utilizing variant allele frequency, disease prevalence and penetrance estimates, and inheritance mode, an automated score was calculated to assess if this variant is too frequent to cause the disease. Based on the score and internal cut-off values, a variant classified as likely benign is not then subjected to further curation. The score for this variant resulted in a classification of likely benign for this disease.

Illumina Laboratory Services, Illumina
Classification: Uncertain significance for Autosomal recessive limb-girdle muscular dystrophy type 2J. Last evaluated: 2018-01-12. Review status: criteria provided, single submitter. Criteria: ICSL Variant Classification Criteria 13 December 2019. Collection method: clinical testing. Allele origin: germline.

Illumina Laboratory Services, Illumina
Classification: Benign for Tibial muscular dystrophy. Last evaluated: 2018-01-12. Review status: criteria provided, single submitter. Criteria: ICSL Variant Classification Criteria 13 December 2019. Collection method: clinical testing. Allele origin: germline.
Comment: This variant was observed in the ICSL laboratory as part of a predisposition screen in an ostensibly healthy population. It had not been previously curated by ICSL or reported in the Human Gene Mutation Database (HGMD: prior to June 1st, 2018), and was therefore a candidate for classification through an automated scoring system. Utilizing variant allele frequency, disease prevalence and penetrance estimates, and inheritance mode, an automated score was calculated to assess if this variant is too frequent to cause the disease. Based on the score and internal cut-off values, a variant classified as benign is not then subjected to further curation. The score for this variant resulted in a classification of benign for this disease.

Labcorp Genetics (formerly Invitae), Labcorp
Classification: Uncertain significance for Dilated cardiomyopathy 1G; Autosomal recessive limb-girdle muscular dystrophy type 2J. Last evaluated: 2017-09-13. Review status: criteria provided, single submitter. Criteria: Invitae Variant Classification Sherloc (09022015). Collection method: clinical testing. Allele origin: germline.

Ambry Genetics
Classification: Uncertain significance for Cardiovascular phenotype. Last evaluated: 2016-03-03. Review status: criteria provided, single submitter. Criteria: Ambry Variant Classification Scheme 2023. Collection method: clinical testing. Allele origin: germline.
Comment: The p.D6390N variant (also known as c.19168G>A), located in coding exon 76 of the TTN gene, results from a G to A substitution at nucleotide position 19168. The aspartic acid at codon 6390 is replaced by asparagine, an amino acid with highly similar properties. This variant was previously reported in the SNPDatabase as rs370813526. Based on data from the NHLBI Exome Sequencing Project (ESP), the A allele has an overall frequency of approximately 0.01% (1/11952) total alleles studied and 0.01% (1/8242) European American alleles. Based on data from ExAC, the A allele has an overall frequency of approximately 0.01% (12/119826). The highest observed frequency was 0.02% (11/66350) of European (non-Finnish) alleles (Exome Aggregation Consortium (ExAC), Cambridge, MA (URL) [Accessed March 3, 2016]). This amino acid position is not well conserved in available vertebrate species. In addition, this alteration is predicted to be tolerated by in silico analysis. Since supporting evidence is limited at this time, the clinical significance of this alteration remains unclear.

Eurofins Ntd Llc (ga)
Classification: Uncertain significance. Last evaluated: 2015-08-17. Review status: criteria provided, single submitter. Criteria: EGL Classification Definitions 2015. Collection method: clinical testing. Allele origin: germline. Observed: 1 variant allele, 1 heterozygote.

PreventionGenetics, part of Exact Sciences
Classification: Uncertain significance for TTN-related condition. Last evaluated: 2024-08-12. Review status: no assertion criteria provided. Collection method: clinical testing. Allele origin: germline. Not counted in ClinVar's aggregate classification.
Comment: The TTN c.46363G>A variant is predicted to result in the amino acid substitution p.Asp15455Asn. To our knowledge, this variant has not been reported in the literature. This variant is reported in 0.012% of alleles in individuals of European (Non-Finnish) descent in gnomAD. At this time, the clinical significance of this variant is uncertain due to the absence of conclusive functional and genetic evidence.

NM_001267550.2(TTN):c.46363G>A (p.Asp15455Asn)

Genes: TTN (titin; minus strand), TTN-AS1 (TTN antisense RNA 1; plus strand). Cytogenetic location: 2q31.2.
Variant type: single nucleotide variant.
Coding change: c.46363G>A on transcript NM_001267550.2 (MANE Select); coding-DNA position 46363, G replaced by A.
Protein change: p.Asp15455Asn; replaces aspartic acid 15455 with asparagine.
Molecular consequence: missense variant. On other transcripts: non-coding transcript variant (1).
Genome position (GRCh38, 1-based): chr2:178,620,054, C>T on the plus strand (G>A on the coding strand, the complement: TTN is on the minus strand). VCF-style: chr2-178620054-C-T. GRCh37 (hg19) VCF-style: chr2-179484781-C-T.
Other names: p.D13814N:GAT>AAT; p.Asp13814Asn; c.41440G>A, p.Asp13814Asn (NM_001256850.1); c.19168G>A, p.Asp6390Asn (NM_003319.4); c.38659G>A, p.Asp12887Asn (NM_133378.4); c.19543G>A, p.Asp6515Asn (NM_133432.3); c.19744G>A, p.Asp6582Asn (NM_133437.4); short protein forms D13814N, D15455N, D12887N, D6390N, D6515N, D6582N.
Identifiers: ClinVar variation 202650 (VCV000202650.24), dbSNP rs370813526, ClinGen allele CA309872.